The following is an entry in ClinVar:

NM_004380.3(CREBBP):c.57G>T (p.Ser19=)

Genes: CREBBP (CREB binding lysine acetyltransferase; minus strand), LOC130058357 (ATAC-STARR-seq lymphoblastoid silent region 7141; plus strand). Cytogenetic location: 16p13.3.
Variant type: single nucleotide variant.
Coding change: c.57G>T on transcript NM_004380.3 (MANE Select); coding-DNA position 57, G replaced by T.
Protein change: p.Ser19=; no amino-acid change (serine 19 retained).
Molecular consequence: synonymous variant.
Genome position (GRCh38, 1-based): chr16:3,879,860, C>A on the plus strand (G>T on the coding strand, the complement: CREBBP is on the minus strand). VCF-style: chr16-3879860-C-A. GRCh37 (hg19) VCF-style: chr16-3929861-C-A.
Other names: c.57G>T, p.Ser19= (NM_001079846.1).
Identifiers: ClinVar variation 3035931 (VCV003035931.4), dbSNP rs142859543, ClinGen allele CA7870764.

ClinVar aggregate classification (germline): Benign. Review status: criteria provided, single submitter (1 of 4 stars). 2 submissions from 2 submitters: Benign (1). 1 of the submissions does not count toward it. Last evaluated 2025-10-27.

Conditions:
CREBBP-related disorder. Also called: CREBBP-related condition; CREBBP-related disorders.
Rubinstein-Taybi syndrome (RSTS). Identifiers: Orphanet 783, MedGen C0035934, MONDO:0019188.

Allele frequency attached by ClinVar (database versions not stated): gnomAD 0.00001; ExAC 0.00002; ESP Exome Variant Server 0.00008.
gnomAD v4.1: 31 of 1,611,948 alleles (0.0019%); highest among the groups gnomAD compares: Non-Finnish European, 0.0025%; no homozygotes.

Submissions (2):

Labcorp Genetics (formerly Invitae), Labcorp
Classification: Benign for Rubinstein-Taybi syndrome. Last evaluated: 2025-10-27. Review status: criteria provided, single submitter. Criteria: Invitae Variant Classification Sherloc (09022015). Collection method: clinical testing. Allele origin: germline.

PreventionGenetics, part of Exact Sciences
Classification: Likely benign for CREBBP-related condition. Last evaluated: 2024-02-19. Review status: no assertion criteria provided. Collection method: clinical testing. Allele origin: germline. Not counted in ClinVar's aggregate classification.
Comment: This variant is classified as likely benign based on ACMG/AMP sequence variant interpretation guidelines (Richards et al. 2015 PMID: 25741868, with internal and published modifications).